The following is an entry in ClinVar:

NM_001999.4(FBN2):c.7471+21A>G

Gene: FBN2 (fibrillin 2; minus strand). Cytogenetic location: 5q23.3.
Variant type: single nucleotide variant.
Coding change: c.7471+21A>G on transcript NM_001999.4 (MANE Select); 21 bases into the intron after coding-DNA position 7471, A replaced by G.
Molecular consequence: intron variant.
Genome position (GRCh38, 1-based): chr5:128,277,859, T>C on the plus strand (A>G on the coding strand, the complement: FBN2 is on the minus strand). VCF-style: chr5-128277859-T-C. GRCh37 (hg19) VCF-style: chr5-127613551-T-C.
Identifiers: ClinVar variation 673959 (VCV000673959.2), dbSNP rs28763924, ClinGen allele CA3394115.
Genomic context (GRCh38, chr5:128,277,859, plus strand): 5'-CTCTACTGATAATGAGTGACTTGCAGGAAACAGTAGCTGATTAGCCCCCAAACCCCTGGA[T>C]ATAGAGGTGCCCATCGTTACCTATACAAGAGGTTCCACTGATGTCTGTGGTGTAGCCAAC-3'

ClinVar aggregate classification (germline): Likely benign. Review status: criteria provided, multiple submitters, no conflicts (2 of 4 stars). 2 submissions from 2 submitters: Likely benign (2). Last evaluated 2018-06-14.

Allele frequency attached by ClinVar (database versions not stated): 1000 Genomes Project 30x 0.00375; 1000 Genomes Project 0.00439; TOPMed 0.00587; gnomAD exomes 0.00623 and 0.00747; ESP Exome Variant Server 0.00707; ExAC 0.00727; gnomAD 0.00901 and 0.00946.
gnomAD v4.1: 10,384 of 1,614,020 alleles (0.64%); highest among the groups gnomAD compares: African/African-American, 0.68%; 117 homozygotes.

Submissions (2):

GeneDx
Classification: Likely benign. Last evaluated: 2018-06-14. Review status: criteria provided, single submitter. Criteria: GeneDx Variant Classification (06012015). Collection method: clinical testing. Allele origin: germline. Affected: yes.
Comment: This variant is considered likely benign or benign based on one or more of the following criteria: it is a conservative change, it occurs at a poorly conserved position in the protein, it is predicted to be benign by multiple in silico algorithms, and/or has population frequency not consistent with disease.

Breakthrough Genomics
Classification: Likely benign. Review status: criteria provided, single submitter. Criteria: ACMG Guidelines, 2015. Collection method: not provided. Allele origin: germline. Inheritance: Autosomal dominant inheritance. Affected: yes.